The following is an entry in ClinVar:

ClinVar aggregate classification (germline): Benign/Likely benign. Review status: criteria provided, multiple submitters, no conflicts (2 of 4 stars). 11 submissions from 11 submitters: Benign (6); Likely benign (2). 3 of the submissions do not count toward it. Last evaluated 2026-07-14.

Conditions:
SCN1B-related disorder. Also called: SCN1B-Related Disorders; SCN1B-related condition.
Brugada syndrome 5 (BRGDA5). Identifiers: Orphanet 130, Orphanet 871, MedGen C2748541, MONDO:0013015, OMIM 612838.

Allele frequency attached by ClinVar (database versions not stated): gnomAD exomes 0.00014 and 0.00037; ExAC 0.00041; 1000 Genomes Project 30x 0.00109; 1000 Genomes Project 0.00120; ESP Exome Variant Server 0.00131; gnomAD 0.00147 and 0.00163; TOPMed 0.00178.
gnomAD v4.1: 445 of 1,613,828 alleles (0.028%); highest among the groups gnomAD compares: African/African-American, 0.5%; 1 homozygote.

Submissions (11):

PreventionGenetics, part of Exact Sciences
Classification: Benign for SCN1B-related condition. Last evaluated: 2026-07-14. Review status: criteria provided, single submitter. Criteria: ACMG Guidelines, 2015. Collection method: clinical testing. Allele origin: germline.
Comment: This variant is classified as benign based on ACMG/AMP sequence variant interpretation guidelines (Richards et al. 2015 PMID: 25741868, with internal and published modifications).

CeGaT Center for Human Genetics Tuebingen
Classification: Likely benign. Last evaluated: 2026-04-01. Review status: criteria provided, single submitter. Criteria: CeGaT Center For Human Genetics Tuebingen Variant Classification Criteria Version 2. Collection method: clinical testing. Allele origin: germline. Affected: yes. Observed: 3 variant alleles.
Comment: SCN1B: BP4, BP7

Labcorp Genetics (formerly Invitae), Labcorp
Classification: Benign for Brugada syndrome 5. Last evaluated: 2026-02-03. Review status: criteria provided, single submitter. Criteria: Invitae Variant Classification Sherloc (09022015). Collection method: clinical testing. Allele origin: germline.

ARUP Laboratories, Molecular Genetics and Genomics, ARUP Laboratories
Classification: Benign. Last evaluated: 2025-04-08. Review status: criteria provided, single submitter. Criteria: ARUP Molecular Germline Variant Investigation Process 2024. Collection method: clinical testing. Allele origin: germline.

Blueprint Genetics
Classification: Likely benign. Last evaluated: 2024-10-17. Review status: criteria provided, single submitter. Criteria: ACMG Guidelines, 2015. Collection method: clinical testing. Allele origin: germline.

Women's Health and Genetics/Laboratory Corporation of America, LabCorp
Classification: Benign. Last evaluated: 2024-06-30. Review status: criteria provided, single submitter. Criteria: LabCorp Variant Classification Summary - May 2015. Collection method: clinical testing. Allele origin: germline.

GeneDx
Classification: Benign. Last evaluated: 2013-10-15. Review status: criteria provided, single submitter. Criteria: GeneDx Variant Classification (06012015). Collection method: clinical testing. Allele origin: germline. Affected: yes.
Comment: This variant is considered likely benign or benign based on one or more of the following criteria: it is a conservative change, it occurs at a poorly conserved position in the protein, it is predicted to be benign by multiple in silico algorithms, and/or has population frequency not consistent with disease.

Breakthrough Genomics
Classification: Benign. Review status: criteria provided, single submitter. Criteria: ACMG Guidelines, 2015. Collection method: not provided. Allele origin: germline. Inheritance: Autosomal recessive inheritance. Affected: yes.

Clinical Genetics, Academic Medical Center
Classification: Benign. Review status: no assertion criteria provided. Collection method: clinical testing. Allele origin: germline. Affected: yes. Study: VKGL Data-share Consensus. Not counted in ClinVar's aggregate classification.

Genome Diagnostics Laboratory, University Medical Center Utrecht
Classification: Likely benign. Review status: no assertion criteria provided. Collection method: clinical testing. Allele origin: germline. Affected: yes. Study: VKGL Data-share Consensus. Not counted in ClinVar's aggregate classification.

Joint Genome Diagnostic Labs from Nijmegen and Maastricht, Radboudumc and MUMC+
Classification: Likely benign. Review status: no assertion criteria provided. Collection method: clinical testing. Allele origin: germline. Affected: yes. Study: VKGL Data-share Consensus. Not counted in ClinVar's aggregate classification.

NM_001037.5(SCN1B):c.448+29C>T

Gene: SCN1B (sodium voltage-gated channel beta subunit 1; plus strand). Cytogenetic location: 19q13.11.
Variant type: single nucleotide variant.
Coding change: c.448+29C>T on transcript NM_001037.5 (MANE Select); 29 bases into the intron after coding-DNA position 448, C replaced by T.
Molecular consequence: intron variant. On other transcripts: synonymous variant (1).
Genome position (GRCh38, 1-based): chr19:35,033,768, C>T. VCF-style: chr19-35033768-C-T. GRCh37 (hg19) VCF-style: chr19-35524672-C-T.
Other names: p.T159T:ACC>ACT; c.477C>T, p.Thr159= (NM_199037.5); c.349+29C>T (NM_001321605.2); c.477C>T (NM_199037.4).
Identifiers: ClinVar variation 138997 (VCV000138997.34), dbSNP rs186759145, ClinGen allele CA293218.